The following is an entry in ClinVar:

ClinVar aggregate classification (germline): Conflicting classifications of pathogenicity. Review status: criteria provided, conflicting classifications (1 of 4 stars). 5 submissions from 5 submitters: Uncertain significance (1); Likely benign (4). Last evaluated 2025-10-11.

Conditions:
Cardiovascular phenotype. Identifiers: MedGen CN230736.
Familial hypobetalipoproteinemia 1. Also called: Hypobetalipoproteinemia, normotriglyceridemic; Acanthocytosis with hypobetalipoproteinemia; APOB-Related Familial Hypobetalipoproteinemia. Identifiers: MedGen C4551990, MONDO:0014252, OMIM 615558.
Hypercholesterolemia, autosomal dominant, type B (FHCL2). Also called: Familial Hypercholesterolemia Type B; Familial hypercholesterolemia 2; Hyperlipoproteinemia Type IIb; HYPERCHOLESTEROLEMIA, FAMILIAL, DUE TO LIGAND-DEFECTIVE APOLIPOPROTEIN B; APOLIPOPROTEIN B-100, FAMILIAL DEFECTIVE; APOLIPOPROTEIN B-100, FAMILIAL LIGAND-DEFECTIVE. Identifiers: MedGen C1704417, MONDO:0007751, OMIM 144010.
Familial hypercholesterolemia. Also called: Familial hypercholesterolemias; Familial hypercholesterolaemia. Identifiers: MedGen C0020445, MONDO:0005439.

Allele frequency attached by ClinVar (database versions not stated): TOPMed 0.00001; gnomAD exomes 0.00003; ExAC 0.00005.
gnomAD v4.1: 40 of 1,613,554 alleles (0.0025%); highest among the groups gnomAD compares: East Asian, 0.013%; no homozygotes.

Submissions (5):

Labcorp Genetics (formerly Invitae), Labcorp
Classification: Likely benign for Familial hypobetalipoproteinemia 1; Hypercholesterolemia, autosomal dominant, type B. Last evaluated: 2025-10-11. Review status: criteria provided, single submitter. Criteria: Invitae Variant Classification Sherloc (09022015). Collection method: clinical testing. Allele origin: germline.

GENinCode PLC
Classification: Likely benign for Familial hypercholesterolemia. Last evaluated: 2025-01-09. Review status: criteria provided, single submitter. Criteria: ACMG Guidelines, 2015. Collection method: clinical testing. Allele origin: germline.
Comment: This is a synonymous (silent) variant that is not predicted to impact splicing and occurs at a nucleotide which is not highly conserved. This variant has been classified as Likely Benign (BP4, BP7).

Quest Diagnostics Nichols Institute San Juan Capistrano
Classification: Uncertain significance. Last evaluated: 2023-08-03. Review status: criteria provided, single submitter. Criteria: Quest Diagnostics criteria. Collection method: clinical testing. Allele origin: unknown.
Comment: To the best of our knowledge, this variant has not been reported in the published literature. The frequency of this variant in the general population, 0.000098 (3/30532 chromosomes (Genome Aggregation Database)), is uninformative in the assessment of its pathogenicity. Analysis of this variant using software algorithms for the prediction of the effect of nucleotide changes on splicing yielded predictions that this variant does not affect APOB mRNA splicing . Based on the available information, we are unable to determine the clinical significance of this variant.

Ambry Genetics
Classification: Likely benign for Cardiovascular phenotype. Last evaluated: 2022-06-27. Review status: criteria provided, single submitter. Criteria: Ambry Variant Classification Scheme 2023. Collection method: clinical testing. Allele origin: germline.

Blueprint Genetics
Classification: Likely benign. Last evaluated: 2022-02-11. Review status: criteria provided, single submitter. Criteria: ACMG Guidelines, 2015. Collection method: clinical testing. Allele origin: germline.

NM_000384.3(APOB):c.12765C>T (p.Phe4255=)

Gene: APOB (apolipoprotein B; minus strand). Cytogenetic location: 2p24.1.
Variant type: single nucleotide variant.
Coding change: c.12765C>T on transcript NM_000384.3 (MANE Select); coding-DNA position 12765, C replaced by T.
Protein change: p.Phe4255=; no amino-acid change (phenylalanine 4255 retained).
Molecular consequence: synonymous variant.
Genome position (GRCh38, 1-based): chr2:21,002,657, G>A on the plus strand (C>T on the coding strand, the complement: APOB is on the minus strand). VCF-style: chr2-21002657-G-A. GRCh37 (hg19) VCF-style: chr2-21225529-G-A.
Identifiers: ClinVar variation 922278 (VCV000922278.17), dbSNP rs746160756, ClinGen allele CA051028.